The following is an entry in ClinVar:

ClinVar aggregate classification (germline): Pathogenic (1 of 4 stars; one submission).

Submission:

Labcorp Genetics (formerly Invitae), Labcorp
Classification: Pathogenic. Last evaluated: 2025-06-17. Review status: criteria provided, single submitter. Criteria: Invitae Variant Classification Sherloc (09022015). Collection method: clinical testing. Allele origin: germline.
Comment: This sequence change inserts a large fragment of DNA, likely a transposable element, in exon 5 of the GALNT3 gene (c.993_994ins?), causing a frameshift at codon 332 (p.Asp332fs). The exact size and sequence of the insertion cannot be determined by the current assay. However, the insertion is expected to result in an absent or disrupted protein product. This variant is not present in population databases (gnomAD no frequency). This variant has not been reported in the literature in individuals affected with GALNT3-related conditions. Retrotransposon insertions including LINE1 (L1), Alu, and SVA (SINE-VNTR-Alu) have been reported to be disease-causing through disruption of either a coding region or splice site (PMID: 19763152, 20307669, 22406018) and loss-of-function variants in GALNT3 are known to be pathogenic (PMID: 15133511, 20358599). For these reasons, this variant has been classified as Pathogenic.

Literature cited by the submitters: PubMed 19763152; PubMed 20307669; PubMed 22406018; PubMed 15133511; PubMed 20358599.

NM_004482.4(GALNT3):c.993_994insTTTTTTTTTTTTTTTTTTTTNNNNNNNNNNCCTCGTGATCCGCCCGCCTCGGCCTCCCAAAGTGCTGGGATTACAGGCGTGAGCCACCGCGCCCGGCCAACCGTGGAAATTTT (p.Asp332fs)

Gene: GALNT3 (polypeptide N-acetylgalactosaminyltransferase 3; minus strand). Cytogenetic location: 2q24.3.
Variant type: Microsatellite.
Coding change: c.993_994insTTTTTTTTTTTTTTTTTTTTNNNNNNNNNNCCTCGTGATCCGCCCGCCTCGGCCTCCCAAAGTGCTGGGATTACAGGCGTGAGCCACCGCGCCCGGCCAACCGTGGAAATTTT on transcript NM_004482.4 (MANE Select); coding-DNA positions 993 to 994, TTTTTTTTTTTTTTTTTTTTNNNNNNNNNNCCTCGTGATCCGCCCGCCTCGGCCTCCCAAAGTGCTGGGATTACAGGCGTGAGCCACCGCGCCCGGCCAACCGTGGAAATTTT inserted.
Protein change: p.Asp332fs; shifts the reading frame from aspartic acid 332.
Molecular consequence: frameshift variant.
Genome position: GRCh38: chr2:165,759,416-165,759,430. GRCh37 (hg19), VCF-style position (the base before the change): chr2:166,615,925.
Other names: short protein forms D332fs.
Identifiers: ClinVar variation 4720824 (VCV004720824.1).